The following is an entry in ClinVar:

NM_001244008.2(KIF1A):c.3977C>T (p.Ser1326Phe)

Gene: KIF1A (kinesin family member 1A; minus strand). Cytogenetic location: 2q37.3.
Variant type: single nucleotide variant.
Coding change: c.3977C>T on transcript NM_001244008.2 (MANE Select); coding-DNA position 3977, C replaced by T.
Protein change: p.Ser1326Phe; replaces serine 1326 with phenylalanine.
Molecular consequence: missense variant.
Genome position (GRCh38, 1-based): chr2:240,737,093, G>A on the plus strand (C>T on the coding strand, the complement: KIF1A is on the minus strand). VCF-style: chr2-240737093-G-A. GRCh37 (hg19) VCF-style: chr2-241676510-G-A.
Other names: c.3701C>T, p.Ser1234Phe (NM_001320705.2, NM_001330289.2, NM_001379638.1); c.3776C>T, p.Ser1259Phe (NM_001330290.2, NM_001379634.1, NM_001379635.1 and 1 more transcripts); c.4052C>T, p.Ser1351Phe (NM_001379631.1); c.3926C>T, p.Ser1309Phe (NM_001379632.1); c.3950C>T, p.Ser1317Phe (NM_001379633.1, NM_001379642.1, NM_001379645.1); c.3788C>T, p.Ser1263Phe (NM_001379636.1); c.3749C>T, p.Ser1250Phe (NM_001379637.1, NM_001379648.1); c.3674C>T, p.Ser1225Phe (NM_001379639.1, NM_001379641.1, NM_001379649.1 and 4 more transcripts); and 1 more; short protein forms S1224F, S1225F, S1234F, S1250F, S1259F, S1263F, S1309F, S1317F.
Identifiers: ClinVar variation 1344377 (VCV001344377.6), dbSNP rs2125718681, ClinGen allele CA351312553.
Genomic context (GRCh38, chr2:240,737,093, plus strand): 5'-GGCCCTGTCTCCAGGGAGTCTCCGACTCACCGGTCATCTTGGGCTGGGTGGATGTATCCG[G>A]AAGAGAGGATGTTGAGAGACAAGATGTTGGGGTCGATCAGGGACTCGTCGGTCTCTGGAG-3'
Protein context (NP_001230937.1, residues 1316-1336): PNILSLNILS[Ser1326Phe]GYIHPAQDDR

ClinVar aggregate classification (germline): Uncertain significance. Review status: criteria provided, multiple submitters, no conflicts (2 of 4 stars). 2 submissions from 2 submitters: Uncertain significance (2). Last evaluated 2023-05-30.

Conditions:
Hereditary spastic paraplegia. Also called: Familial spastic paraparesis. Identifiers: Orphanet 685, MedGen C0037773, MONDO:0019064. Disease mechanism: loss of function.
Neuropathy, hereditary sensory, type 2C. Also called: KIF1A-Related HSAN2 (HSAN2C); Hereditary sensory and autonomic neuropathy type IIC. Identifiers: Orphanet 970, MedGen C3280168, MONDO:0013634, OMIM 614213.
Intellectual disability, autosomal dominant 9 (NESCAVS). Also called: KIF1A-Related Neurodevelopmental Disorder; NESCAV SYNDROME. Identifiers: Orphanet 662367, MedGen C5393830, MONDO:0013656, OMIM 614255.
Hereditary spastic paraplegia 30. Identifiers: Orphanet 101010, MedGen C5235139, MONDO:0012476.

gnomAD v4.1: 1 of 1,613,788 alleles (0.000062%); highest among the groups gnomAD compares: Non-Finnish European, 0.000085%; no homozygotes.

Submissions (2):

Labcorp Genetics (formerly Invitae), Labcorp
Classification: Uncertain significance for Hereditary spastic paraplegia 30; Neuropathy, hereditary sensory, type 2C; Intellectual disability, autosomal dominant 9. Last evaluated: 2023-05-30. Review status: criteria provided, single submitter. Criteria: Invitae Variant Classification Sherloc (09022015). Collection method: clinical testing. Allele origin: germline.
Comment: In summary, the available evidence is currently insufficient to determine the role of this variant in disease. Therefore, it has been classified as a Variant of Uncertain Significance. Advanced modeling of protein sequence and biophysical properties (such as structural, functional, and spatial information, amino acid conservation, physicochemical variation, residue mobility, and thermodynamic stability) performed at Invitae indicates that this missense variant is not expected to disrupt KIF1A protein function. ClinVar contains an entry for this variant (Variation ID: 1344377). This variant has not been reported in the literature in individuals affected with KIF1A-related conditions. This variant is not present in population databases (gnomAD no frequency). This sequence change replaces serine, which is neutral and polar, with phenylalanine, which is neutral and non-polar, at codon 1225 of the KIF1A protein (p.Ser1225Phe).

Genome Diagnostics Laboratory, The Hospital for Sick Children
Classification: Uncertain significance for Hereditary spastic paraplegia. Last evaluated: 2016-12-12. Review status: criteria provided, single submitter. Criteria: ACMG Guidelines, 2015. Collection method: clinical testing. Allele origin: germline. Affected: yes.